The following is an entry in ClinVar:

NM_006904.7(PRKDC):c.2641A>G (p.Lys881Glu)

Gene: PRKDC (protein kinase, DNA-activated, catalytic subunit; minus strand). Cytogenetic location: 8q11.21.
Variant type: single nucleotide variant.
Coding change: c.2641A>G on transcript NM_006904.7 (MANE Select); coding-DNA position 2641, A replaced by G.
Protein change: p.Lys881Glu; replaces lysine 881 with glutamic acid.
Molecular consequence: missense variant.
Genome position (GRCh38, 1-based): chr8:47,914,041, T>C on the plus strand (A>G on the coding strand, the complement: PRKDC is on the minus strand). VCF-style: chr8-47914041-T-C. GRCh37 (hg19) VCF-style: chr8-48826601-T-C.
Other names: c.2641A>G, p.Lys881Glu (NM_001081640.2); short protein forms K881E.
Identifiers: ClinVar variation 2449853 (VCV002449853.2), dbSNP rs2551876892, ClinGen allele CA371159558.
Genomic context (GRCh38, chr8:47,914,041, plus strand): 5'-TCTCTCTAAAGGGCACTGCAAAGCTCAGCCGCTTCTCTCTGTCCCAGGCCACATAGCTCT[T>C]CATCATCTCATCTGAGGACGTGACTGTTAGAAAAGATTTAAGAAGAATGAAACACTTTTT-3'
Protein context (NP_008835.5, residues 871-891): LTVTSSDEMM[Lys881Glu]SYVAWDREKR

ClinVar aggregate classification (germline): Uncertain significance (1 of 4 stars; one submission).

Submission:

Ambry Genetics
Classification: Uncertain significance. Last evaluated: 2023-01-02. Review status: criteria provided, single submitter. Criteria: Ambry Variant Classification Scheme 2023. Collection method: clinical testing. Allele origin: germline.
Comment: The p.K881E variant (also known as c.2641A>G), located in coding exon 24 of the PRKDC gene, results from an A to G substitution at nucleotide position 2641. The lysine at codon 881 is replaced by glutamic acid, an amino acid with similar properties. This amino acid position is conserved. In addition, this alteration is predicted to be tolerated by in silico analysis. Since supporting evidence is limited at this time, the clinical significance of this alteration remains unclear.